The following is an entry in ClinVar:

NM_016180.5(SLC45A2):c.619C>G (p.Leu207Val)

Gene: SLC45A2 (solute carrier family 45 member 2; minus strand). Cytogenetic location: 5p13.2.
Variant type: single nucleotide variant.
Coding change: c.619C>G on transcript NM_016180.5 (MANE Select); coding-DNA position 619, C replaced by G.
Protein change: p.Leu207Val; replaces leucine 207 with valine.
Molecular consequence: missense variant. On other transcripts: intron variant (1).
Genome position (GRCh38, 1-based): chr5:33,963,960, G>C on the plus strand (C>G on the coding strand, the complement: SLC45A2 is on the minus strand). VCF-style: chr5-33963960-G-C. GRCh37 (hg19) VCF-style: chr5-33964065-G-C.
Other names: c.619C>G, p.Leu207Val (NM_001012509.4); c.563-9456C>G (NM_001297417.4); c.619C>G (NM_016180.3, NM_016180.4); short protein forms L207V.
Identifiers: ClinVar variation 196473 (VCV000196473.12), dbSNP rs770639563, ClinGen allele CA243434.

ClinVar aggregate classification (germline): Conflicting classifications of pathogenicity. Review status: criteria provided, conflicting classifications (1 of 4 stars). 4 submissions from 4 submitters: Likely pathogenic (1); Uncertain significance (3). Last evaluated 2026-03-30.

Conditions:
SLC45A2-related disorder. Also called: SLC45A2-related condition.

Allele frequency attached by ClinVar (database versions not stated): TOPMed 0.00002; ExAC 0.00001.
gnomAD v4.1: 14 of 1,614,072 alleles (0.00087%); highest among the groups gnomAD compares: Non-Finnish European, 0.0012%; no homozygotes.

Submissions (4):

GeneDx
Classification: Likely pathogenic. Last evaluated: 2026-03-30. Review status: criteria provided, single submitter. Criteria: GeneDx Variant Classification Process June 2021. Collection method: clinical testing. Allele origin: germline.
Comment: Not observed at significant frequency in large population cohorts (gnomAD); In silico analysis suggests that this missense variant does not alter protein structure/function; This variant is associated with the following publications: (PMID: 34426522, 34078970, 27734839)

PreventionGenetics, part of Exact Sciences
Classification: Uncertain significance for SLC45A2-related condition. Last evaluated: 2025-06-03. Review status: criteria provided, single submitter. Criteria: ACMG Guidelines, 2015. Collection method: clinical testing. Allele origin: germline.
Comment: The SLC45A2 c.619C>G variant is predicted to result in the amino acid substitution p.Leu207Val. This variant has been reported along with a second SLC45A2 missense variant in one individual with oculocutaneous albinism (Mauri et al. 2017. PubMed ID: 27734839). This variant is present in 0.00088% of alleles in individuals of European (Non-Finnish) descent in gnomAD. Although we suspect that this variant may be pathogenic, at this time, the clinical significance of this variant is uncertain due to the absence of conclusive functional and genetic evidence.

Labcorp Genetics (formerly Invitae), Labcorp
Classification: Uncertain significance. Last evaluated: 2024-07-19. Review status: criteria provided, single submitter. Criteria: Invitae Variant Classification Sherloc (09022015). Collection method: clinical testing. Allele origin: germline.
Comment: This sequence change replaces leucine, which is neutral and non-polar, with valine, which is neutral and non-polar, at codon 207 of the SLC45A2 protein (p.Leu207Val). This variant is present in population databases (rs770639563, gnomAD 0.0009%). This missense change has been observed in individual(s) with oculocutaneous albinism (PMID: 27734839; Invitae). ClinVar contains an entry for this variant (Variation ID: 196473). Advanced modeling of protein sequence and biophysical properties (such as structural, functional, and spatial information, amino acid conservation, physicochemical variation, residue mobility, and thermodynamic stability) performed at Invitae indicates that this missense variant is not expected to disrupt SLC45A2 protein function with a negative predictive value of 80%. Algorithms developed to predict the effect of sequence changes on RNA splicing suggest that this variant may create or strengthen a splice site. In summary, the available evidence is currently insufficient to determine the role of this variant in disease. Therefore, it has been classified as a Variant of Uncertain Significance.

Eurofins Ntd Llc (ga)
Classification: Uncertain significance. Last evaluated: 2014-12-09. Review status: criteria provided, single submitter. Criteria: EGL Classification Definitions 2015. Collection method: clinical testing. Allele origin: germline. Observed: 1 variant allele, 1 heterozygote.

Literature cited by the submitters: PubMed 27734839 (cited by Labcorp Genetics (formerly Invitae), Labcorp).